The following is an entry in ClinVar:

NM_001276270.2(MBD4):c.1630G>A (p.Val544Ile)

Gene: MBD4 (methyl-CpG binding domain 4, DNA glycosylase; minus strand). Cytogenetic location: 3q21.3.
Variant type: single nucleotide variant.
Coding change: c.1630G>A on transcript NM_001276270.2 (MANE Select); coding-DNA position 1630, G replaced by A.
Protein change: p.Val544Ile; replaces valine 544 with isoleucine.
Molecular consequence: missense variant. On other transcripts: intron variant (1).
Genome position (GRCh38, 1-based): chr3:129,432,520, C>T on the plus strand (G>A on the coding strand, the complement: MBD4 is on the minus strand). VCF-style: chr3-129432520-C-T. GRCh37 (hg19) VCF-style: chr3-129151363-C-T.
Other names: c.1648G>A, p.Val550Ile (NM_001276271.2, NM_003925.3); c.694G>A, p.Val232Ile (NM_001276273.2); c.1612+36G>A (NM_001276272.2); short protein forms V232I, V544I, V550I.
Identifiers: ClinVar variation 3728765 (VCV003728765.2).

ClinVar aggregate classification (germline): Uncertain significance (1 of 4 stars; one submission).

Submission:

Labcorp Genetics (formerly Invitae), Labcorp
Classification: Uncertain significance. Last evaluated: 2025-01-11. Review status: criteria provided, single submitter. Criteria: Invitae Variant Classification Sherloc (09022015). Collection method: clinical testing. Allele origin: germline.
Comment: This sequence change replaces valine, which is neutral and non-polar, with isoleucine, which is neutral and non-polar, at codon 550 of the MBD4 protein (p.Val550Ile). This variant is not present in population databases (gnomAD no frequency). This variant has not been reported in the literature in individuals affected with MBD4-related conditions. An algorithm developed to predict the effect of missense changes on protein structure and function outputs the following: PolyPhen-2: "Benign". The isoleucine amino acid residue is found in multiple mammalian species, which suggests that this missense change does not adversely affect protein function. In summary, the available evidence is currently insufficient to determine the role of this variant in disease. Therefore, it has been classified as a Variant of Uncertain Significance.